The following is an entry in ClinVar:

NM_001025616.3(ARHGAP24):c.2147A>C (p.Asp716Ala)

Gene: ARHGAP24 (Rho GTPase activating protein 24; plus strand). Cytogenetic location: 4q21.3.
Variant type: single nucleotide variant.
Coding change: c.2147A>C on transcript NM_001025616.3 (MANE Select); coding-DNA position 2147, A replaced by C.
Protein change: p.Asp716Ala; replaces aspartic acid 716 with alanine.
Molecular consequence: missense variant.
Genome position (GRCh38, 1-based): chr4:86,000,622, A>C. VCF-style: chr4-86000622-A-C. GRCh37 (hg19) VCF-style: chr4-86921775-A-C.
Other names: c.2147A>C (NM_001025616.2); c.1862A>C, p.Asp621Ala (NM_001042669.2); c.1892A>C, p.Asp631Ala (NM_001287805.2); c.1568A>C, p.Asp523Ala (NM_001346093.2); c.1868A>C, p.Asp623Ala (NM_031305.3); short protein forms D621A, D631A, D716A, D523A, D623A.
Identifiers: ClinVar variation 2701214 (VCV002701214.6), dbSNP rs376614296, ClinGen allele CA2994904.
Genomic context (GRCh38, chr4:86,000,622, plus strand): 5'-TGATAGAAATAAAAATGCGAAATGCCGAGCGAGCAAAAGAAGATGCCGAGAAAAGAAATG[A>C]CATGCTACAGAAAGAAATGGAGCAGTTTTTTTCCACGTTTGGAGAACTGACAGTGGAACC-3'
Protein context (NP_001020787.2, residues 706-726): RAKEDAEKRN[Asp716Ala]MLQKEMEQFF

ClinVar aggregate classification (germline): Conflicting classifications of pathogenicity. Review status: criteria provided, conflicting classifications (1 of 4 stars). 4 submissions from 4 submitters: Uncertain significance (2); Likely benign (1). 1 of the submissions does not count toward it. Last evaluated 2025-11-19.

Conditions:
ARHGAP24-related disorder. Also called: ARHGAP24-related condition.

Allele frequency attached by ClinVar (database versions not stated): gnomAD 0.00001.
gnomAD v4.1: 34 of 1,613,998 alleles (0.0021%); highest among the groups gnomAD compares: East Asian, 0.022%; no homozygotes.

Submissions (4):

Labcorp Genetics (formerly Invitae), Labcorp
Classification: Uncertain significance. Last evaluated: 2025-11-19. Review status: criteria provided, single submitter. Criteria: Invitae Variant Classification Sherloc (09022015). Collection method: clinical testing. Allele origin: germline.
Comment: This sequence change replaces aspartic acid, which is acidic and polar, with alanine, which is neutral and non-polar, at codon 716 of the ARHGAP24 protein (p.Asp716Ala). This variant is present in population databases (rs376614296, gnomAD 0.06%). This variant has not been reported in the literature in individuals affected with ARHGAP24-related conditions. ClinVar contains an entry for this variant (Variation ID: 2701214). An algorithm developed to predict the effect of missense changes on protein structure and function (PolyPhen-2) suggests that this variant is likely to be tolerated. In summary, the available evidence is currently insufficient to determine the role of this variant in disease. Therefore, it has been classified as a Variant of Uncertain Significance.

Ambry Genetics
Classification: Likely benign. Last evaluated: 2025-09-01. Review status: criteria provided, single submitter. Criteria: Ambry Variant Classification Scheme 2023. Collection method: clinical testing. Allele origin: germline.

Blueprint Genetics
Classification: Uncertain significance. Last evaluated: 2024-07-17. Review status: criteria provided, single submitter. Criteria: ACMG Guidelines, 2015. Collection method: clinical testing. Allele origin: germline.

PreventionGenetics, part of Exact Sciences
Classification: Uncertain significance for ARHGAP24-related condition. Last evaluated: 2024-04-27. Review status: no assertion criteria provided. Collection method: clinical testing. Allele origin: germline. Not counted in ClinVar's aggregate classification.
Comment: The ARHGAP24 c.2147A>C variant is predicted to result in the amino acid substitution p.Asp716Ala. To our knowledge, this variant has not been reported in the literature. This variant is reported in 0.060% of alleles in individuals of East Asian descent in gnomAD. Although we suspect that this variant may be benign, at this time, the clinical significance of this variant is uncertain due to the absence of conclusive functional and genetic evidence.